The following is an entry in ClinVar:

NM_014014.5(SNRNP200):c.2192C>T (p.Thr731Ile)

Gene: SNRNP200 (small nuclear ribonucleoprotein U5 subunit 200; minus strand). Cytogenetic location: 2q11.2.
Variant type: single nucleotide variant.
Coding change: c.2192C>T on transcript NM_014014.5 (MANE Select); coding-DNA position 2192, C replaced by T.
Protein change: p.Thr731Ile; replaces threonine 731 with isoleucine.
Molecular consequence: missense variant.
Genome position (GRCh38, 1-based): chr2:96,291,869, G>A on the plus strand (C>T on the coding strand, the complement: SNRNP200 is on the minus strand). VCF-style: chr2-96291869-G-A. GRCh37 (hg19) VCF-style: chr2-96957607-G-A.
Other names: short protein forms T731I.
Identifiers: ClinVar variation 4746945 (VCV004746945.1).
Genomic context (GRCh38, chr2:96,291,869, plus strand): 5'-AACAGACCCAGAGTGTCCTTTTCTAGGCACATGTCCCGGATGGCCCTGGCTGTCTTTCCA[G>A]TCTCCTTCCGGGAGTGGACAAACACCAGCACCTAAGGAGAAGCCACAGTTTGCTACAGTC-3'
Protein context (NP_054733.2, residues 721-741): VLVFVHSRKE[Thr731Ile]GKTARAIRDM

ClinVar aggregate classification (germline): Uncertain significance (1 of 4 stars; one submission).

Submission:

Labcorp Genetics (formerly Invitae), Labcorp
Classification: Uncertain significance. Last evaluated: 2025-05-13. Review status: criteria provided, single submitter. Criteria: Invitae Variant Classification Sherloc (09022015). Collection method: clinical testing. Allele origin: germline.
Comment: This sequence change replaces threonine, which is neutral and polar, with isoleucine, which is neutral and non-polar, at codon 731 of the SNRNP200 protein (p.Thr731Ile). This variant is not present in population databases (gnomAD no frequency). This variant has not been reported in the literature in individuals affected with SNRNP200-related conditions. Invitae Evidence Modeling of protein sequence and biophysical properties (such as structural, functional, and spatial information, amino acid conservation, physicochemical variation, residue mobility, and thermodynamic stability) has been performed for this missense variant. However, the output from this modeling did not meet the statistical confidence thresholds required to predict the impact of this variant on SNRNP200 protein function. In summary, the available evidence is currently insufficient to determine the role of this variant in disease. Therefore, it has been classified as a Variant of Uncertain Significance.